The following is an entry in ClinVar:

ClinVar aggregate classification (germline): Pathogenic (1 of 4 stars; one submission).

Conditions:
Maple syrup urine disease type 1B (MSUD1B). Also called: MSUD type IB; MSUD type 3 (formerly); MSUD due to deficiency of e1-beta subunit of branched-chain alpha-keto acid dehydrogenase complex. Identifiers: MedGen C2930990, MONDO:0023692, OMIM 620698.

Submission:

Myriad Genetics, Inc.
Classification: Pathogenic for Maple syrup urine disease type 1B. Last evaluated: 2025-01-25. Review status: criteria provided, single submitter. Criteria: Myriad Autosomal Dominant, Autosomal Recessive and X-Linked Classification Criteria (2023). Collection method: clinical testing. Allele origin: unknown.
Comment: NM_183050.2(BCKDHB):c.315dupA(C106Mfs*13) is expected to be pathogenic in the context of maple syrup urine disease type Ib. This variant is predicted to lead to an abnormal or absent protein product due to the creation of a premature termination codon in BCKDHB, a gene where loss-of-function variants are known to be pathogenic. Please note: this variant was assessed in the context of healthy population screening.

NM_183050.4(BCKDHB):c.315dup (p.Cys106fs)

Gene: BCKDHB (branched chain keto acid dehydrogenase E1 subunit beta; plus strand). Cytogenetic location: 6q14.1.
Variant type: Duplication.
Coding change: c.315dup on transcript NM_183050.4 (MANE Select); coding-DNA position 315, one base duplicated (A; older notation c.315dupA).
Protein change: p.Cys106fs; shifts the reading frame from cysteine 106.
Molecular consequence: frameshift variant. On other transcripts: non-coding transcript variant (6).
Genome position (GRCh38, 1-based): chr6:80,129,201, A duplicated. VCF-style (leftmost placement, unchanged base first): chr6-80129200-G-GA. GRCh37 (hg19) VCF-style: chr6-80838917-G-GA.
Other names: c.315dup, p.Cys106fs (NM_000056.5, NM_001424035.1, NM_001424036.1 and 8 more transcripts); c.105dup, p.Cys36fs (NM_001318975.1, NM_001424043.1); short protein forms C106fs, C36fs.
Identifiers: ClinVar variation 5014018 (VCV005014018.1).
Genomic context (GRCh38, chr6:80,129,200, plus strand): 5'-TATTTAAATACTGTTTTTCAGTAATATTTGGTGAAGATGTTGCCTTTGGTGGAGTCTTTA[G>GA]ATGCACTGTTGGCTTGCGAGACAAATATGGTAAGTAAATACCTATATGAATAGTATTCTG-3'